The following is an entry in ClinVar:

ClinVar aggregate classification (germline): Uncertain significance (1 of 4 stars; one submission).

gnomAD v4.1: 25 of 1,611,286 alleles (0.0016%); highest among the groups gnomAD compares: South Asian, 0.0022%; no homozygotes.

Submission:

Labcorp Genetics (formerly Invitae), Labcorp
Classification: Uncertain significance. Last evaluated: 2024-06-12. Review status: criteria provided, single submitter. Criteria: Invitae Variant Classification Sherloc (09022015). Collection method: clinical testing. Allele origin: germline.
Comment: This sequence change replaces glutamine, which is neutral and polar, with proline, which is neutral and non-polar, at codon 674 of the WHRN protein (p.Gln674Pro). This variant is present in population databases (rs768703896, gnomAD 0.003%). This variant has not been reported in the literature in individuals affected with WHRN-related conditions. An algorithm developed to predict the effect of missense changes on protein structure and function (PolyPhen-2) suggests that this variant is likely to be disruptive. In summary, the available evidence is currently insufficient to determine the role of this variant in disease. Therefore, it has been classified as a Variant of Uncertain Significance.

NM_015404.4(WHRN):c.2021A>C (p.Gln674Pro)

Gene: WHRN (whirlin; minus strand). Cytogenetic location: 9q32.
Variant type: single nucleotide variant.
Coding change: c.2021A>C on transcript NM_015404.4 (MANE Select); coding-DNA position 2021, A replaced by C.
Protein change: p.Gln674Pro; replaces glutamine 674 with proline.
Molecular consequence: missense variant.
Genome position (GRCh38, 1-based): chr9:114,406,570, T>G on the plus strand (A>C on the coding strand, the complement: WHRN is on the minus strand). VCF-style: chr9-114406570-T-G. GRCh37 (hg19) VCF-style: chr9-117168850-T-G.
Other names: c.872A>C, p.Gln291Pro (NM_001083885.3); c.2021A>C, p.Gln674Pro (NM_001173425.2); c.968A>C, p.Gln323Pro (NM_001346890.1); short protein forms Q291P, Q323P, Q674P.
Identifiers: ClinVar variation 3614581 (VCV003614581.2).
Genomic context (GRCh38, chr9:114,406,570, plus strand): 5'-GCAGAGGGGCTTTTCAGGTGCGGGGGTGACTGGACCCGTGGGAAGGGGCCGATGGGGTGT[T>G]GGTTGACCAGGGCCAGATGGGCGTCCAGCGGCCTCTTGGAGCTGGGGTTGGCAGGGGAGA-3'
Protein context (NP_056219.3, residues 664-684): PLDAHLALVN[Gln674Pro]HPIGPFPRVQ